The following is an entry in ClinVar:

ClinVar aggregate classification (germline): Uncertain significance (1 of 4 stars; one submission).

Conditions:
Cataract 14 multiple types. Also called: CATARACT 14, ZONULAR PULVERULENT; CATARACT 14, NUCLEAR PULVERULENT; CATARACT 14, NUCLEAR PULVERULENT AND POSTERIOR POLAR; CATARACT 14, NUCLEAR CORALLIFORM; CATARACT 14, EMBRYONAL NUCLEAR; CATARACT 14, COPPOCK-LIKE. Identifiers: Orphanet 91492, MedGen C1866078, MONDO:0011162, OMIM 601885.

Submission:

Dept. Genetics and Cancer, Menzies Institute for Medical Research, University of Tasmania
Classification: Uncertain significance for Cataract 14 multiple types. Last evaluated: 2023-01-21. Review status: criteria provided, single submitter. Criteria: ACMG Guidelines, 2015. Collection method: curation. Allele origin: germline. Affected: yes.
Comment: Variant identified and curated during a GJA3 specific review of the literature in relation to pediatric or congenital cataract. ACMG-AMP criteria applied: PM2(Supporting), PP3. Original variant report: PMID:25148791. Gene review and curation guidelines are outlined in: DOI 10.1080/17469899.2023.2160320

Literature cited by the submitters: PubMed 25148791.

NM_021954.4(GJA3):c.596A>C (p.Glu199Ala)

Gene: GJA3 (gap junction protein alpha 3; minus strand). Cytogenetic location: 13q12.11.
Variant type: single nucleotide variant.
Coding change: c.596A>C on transcript NM_021954.4 (MANE Select); coding-DNA position 596, A replaced by C.
Protein change: p.Glu199Ala; replaces glutamic acid 199 with alanine.
Molecular consequence: missense variant.
Genome position (GRCh38, 1-based): chr13:20,142,693, T>G on the plus strand (A>C on the coding strand, the complement: GJA3 is on the minus strand). VCF-style: chr13-20142693-T-G. GRCh37 (hg19) VCF-style: chr13-20716832-T-G.
Other names: short protein forms E199A.
Identifiers: ClinVar variation 3253694 (VCV003253694.1), dbSNP rs2500171428.